The following is an entry in ClinVar:

ClinVar aggregate classification (germline): Uncertain significance (1 of 4 stars; one submission).

Conditions:
Hereditary spastic paraplegia 53. Also called: Spastic paraplegia 53, autosomal recessive. Identifiers: Orphanet 319199, MedGen C3539494, MONDO:0013962, OMIM 614898.

Allele frequency attached by ClinVar (database versions not stated): gnomAD exomes below 0.00001; TOPMed below 0.00001; gnomAD 0.00001.
gnomAD v4.1: 3 of 1,612,472 alleles (0.00019%); highest among the groups gnomAD compares: African/African-American, 0.004%; no homozygotes.

Submission:

Labcorp Genetics (formerly Invitae), Labcorp
Classification: Uncertain significance for Hereditary spastic paraplegia 53. Last evaluated: 2022-10-31. Review status: criteria provided, single submitter. Criteria: Invitae Variant Classification Sherloc (09022015). Collection method: clinical testing. Allele origin: germline.
Comment: In summary, the available evidence is currently insufficient to determine the role of this variant in disease. Therefore, it has been classified as a Variant of Uncertain Significance. Advanced modeling of protein sequence and biophysical properties (such as structural, functional, and spatial information, amino acid conservation, physicochemical variation, residue mobility, and thermodynamic stability) performed at Invitae indicates that this missense variant is not expected to disrupt VPS37A protein function. This variant has not been reported in the literature in individuals affected with VPS37A-related conditions. This variant is not present in population databases (gnomAD no frequency). This sequence change replaces valine, which is neutral and non-polar, with isoleucine, which is neutral and non-polar, at codon 273 of the VPS37A protein (p.Val273Ile).

NM_152415.3(VPS37A):c.817G>A (p.Val273Ile)

Gene: VPS37A (VPS37A subunit of ESCRT-I; plus strand). Cytogenetic location: 8p22.
Variant type: single nucleotide variant.
Coding change: c.817G>A on transcript NM_152415.3 (MANE Select); coding-DNA position 817, G replaced by A.
Protein change: p.Val273Ile; replaces valine 273 with isoleucine.
Molecular consequence: missense variant.
Genome position (GRCh38, 1-based): chr8:17,280,131, G>A. VCF-style: chr8-17280131-G-A. GRCh37 (hg19) VCF-style: chr8-17137640-G-A.
Other names: c.742G>A, p.Val248Ile (NM_001145152.2); c.817G>A, p.Val273Ile (NM_001363167.1, NM_001363173.2); c.547G>A, p.Val183Ile (NM_001363168.1, NM_001363169.1, NM_001363170.1 and 2 more transcripts); short protein forms V183I, V248I, V273I.
Identifiers: ClinVar variation 2810998 (VCV002810998.3), dbSNP rs1814904408, ClinGen allele CA370402976.